The following is an entry in ClinVar:

ClinVar aggregate classification (germline): Uncertain significance (1 of 4 stars; one submission).

Submission:

Labcorp Genetics (formerly Invitae), Labcorp
Classification: Uncertain significance. Last evaluated: 2023-06-09. Review status: criteria provided, single submitter. Criteria: Invitae Variant Classification Sherloc (09022015). Collection method: clinical testing. Allele origin: germline.
Comment: This variant is not present in population databases (gnomAD no frequency). This sequence change falls in intron 3 of the POLE gene. It does not directly change the encoded amino acid sequence of the POLE protein. This variant has not been reported in the literature in individuals affected with POLE-related conditions. In summary, the available evidence is currently insufficient to determine the role of this variant in disease. Therefore, it has been classified as a Variant of Uncertain Significance. Algorithms developed to predict the effect of sequence changes on RNA splicing suggest that this variant may create or strengthen a splice site. ClinVar contains an entry for this variant (Variation ID: 2015671).

NM_006231.4(POLE):c.286-7_286-6del

Gene: POLE (DNA polymerase epsilon, catalytic subunit; minus strand). Cytogenetic location: 12q24.33.
Variant type: Deletion.
Coding change: c.286-7_286-6del on transcript NM_006231.4 (MANE Select); 7 bases into the intron before coding-DNA position 286 through 6 bases into the intron before coding-DNA position 286, 2 bases deleted (TT; older notation c.286-7_286-6delTT).
Molecular consequence: intron variant.
Genome position (GRCh38, 1-based): chr12:132,680,228-132,680,229, AA deleted on the plus strand (TT on the coding strand, the reverse complement: POLE is on the minus strand). VCF-style (leftmost placement, unchanged base first): chr12-132680227-TAA-T. GRCh37 (hg19) VCF-style: chr12-133256813-TAA-T.
Identifiers: ClinVar variation 2015671 (VCV002015671.4), dbSNP rs2043139019, ClinGen allele CA2073005253.